The following is an entry in ClinVar:

ClinVar aggregate classification (germline): Uncertain significance (1 of 4 stars; one submission).

Conditions:
Hereditary cancer-predisposing syndrome. Also called: Tumor predisposition; Neoplastic Syndromes, Hereditary; Hereditary neoplastic syndrome; Hereditary Cancer Syndrome. Identifiers: Orphanet 140162, MedGen C0027672, MeSH D009386, MONDO:0015356.

Submission:

Ambry Genetics
Classification: Uncertain significance for Hereditary cancer-predisposing syndrome. Last evaluated: 2025-08-27. Review status: criteria provided, single submitter. Criteria: Ambry Variant Classification Scheme 2023. Collection method: clinical testing. Allele origin: germline.
Comment: The p.Q351R variant (also known as c.1052A>G), located in coding exon 12 of the MUTYH gene, results from an A to G substitution at nucleotide position 1052. The glutamine at codon 351 is replaced by arginine, an amino acid with highly similar properties. This amino acid position is conserved. In addition, this alteration is predicted to be tolerated by in silico analysis. Based on the available evidence, the clinical significance of this variant remains unclear.

NM_001048174.2(MUTYH):c.968A>G (p.Gln323Arg)

Gene: MUTYH (mutY DNA glycosylase; minus strand). Cytogenetic location: 1p34.1.
Variant type: single nucleotide variant.
Coding change: c.968A>G on transcript NM_001048174.2 (MANE Select); coding-DNA position 968, A replaced by G.
Protein change: p.Gln323Arg; replaces glutamine 323 with arginine.
Molecular consequence: missense variant. On other transcripts: non-coding transcript variant (7).
Genome position (GRCh38, 1-based): chr1:45,331,795, T>C on the plus strand (A>G on the coding strand, the complement: MUTYH is on the minus strand). VCF-style: chr1-45331795-T-C. GRCh37 (hg19) VCF-style: chr1-45797467-T-C.
Other names: c.968A>G, p.Gln323Arg (NM_001048171.2, NM_001048173.2, NM_001407070.1 and 6 more transcripts); c.971A>G, p.Gln324Arg (NM_001048172.2, NM_001407071.1, NM_001407078.1 and 1 more transcripts); c.884A>G, p.Gln295Arg (NM_001407075.1); c.1001A>G, p.Gln334Arg (NM_001407077.1, NM_001293191.2, NM_001407069.1); c.929A>G, p.Gln310Arg (NM_001407079.1); c.926A>G, p.Gln309Arg (NM_001407080.1); c.1052A>G, p.Gln351Arg (NM_001128425.2); c.1013A>G, p.Gln338Arg (NM_001293190.2); and 5 more; short protein forms Q334R, Q231R, Q309R, Q323R, Q330R, Q337R, Q338R, Q351R.
Identifiers: ClinVar variation 4112967 (VCV004112967.1).